The following is an entry in ClinVar:

ClinVar aggregate classification (germline): Benign (1 of 4 stars; one submission).

Conditions:
Juvenile polyposis/hereditary hemorrhagic telangiectasia syndrome (JPHT). Also called: JP/HHT SYNDROME; JUVENILE POLYPOSIS WITH HEREDITARY HEMORRHAGIC TELANGIECTASIA; POLYPOSIS, GENERALIZED JUVENILE, WITH PULMONARY ARTERIOVENOUS MALFORMATION; TELANGIECTASIA, HEREDITARY HEMORRHAGIC, WITH JUVENILE POLYPOSIS COLI; Juvenile Polyposis Syndrome / Hereditary Hemorrhagic Telangiectasia (JPS/HHT). Identifiers: Orphanet 2929, MedGen C1832942, MONDO:0008278, OMIM 175050.

Submission:

Myriad Genetics, Inc.
Classification: Benign for Juvenile polyposis/hereditary hemorrhagic telangiectasia syndrome. Last evaluated: 2025-03-21. Review status: criteria provided, single submitter. Criteria: Myriad Autosomal Dominant, Autosomal Recessive and X-Linked Classification Criteria (2023). Collection method: clinical testing. Allele origin: unknown.
Comment: This variant is considered benign. This variant is a silent/synonymous amino acid change and it is not expected to impact splicing.

NM_005359.6(SMAD4):c.1263A>T (p.Ala421=)

Gene: SMAD4 (SMAD family member 4; plus strand). Cytogenetic location: 18q21.2.
Variant type: single nucleotide variant.
Coding change: c.1263A>T on transcript NM_005359.6 (MANE Select); coding-DNA position 1263, A replaced by T.
Protein change: p.Ala421=; no amino-acid change (alanine 421 retained).
Molecular consequence: synonymous variant. On other transcripts: non-coding transcript variant (1).
Genome position (GRCh38, 1-based): chr18:51,067,142, A>T. VCF-style: chr18-51067142-A-T. GRCh37 (hg19) VCF-style: chr18-48593512-A-T.
Other names: c.1263A>T, p.Ala421= (NM_001407041.1, NM_001407042.1).
Identifiers: ClinVar variation 3904455 (VCV003904455.1).